The following is an entry in ClinVar:

ClinVar aggregate classification (germline): Conflicting classifications of pathogenicity. Review status: criteria provided, conflicting classifications (1 of 4 stars). 6 submissions from 6 submitters: Uncertain significance (2); Benign (2); Likely benign (2). Last evaluated 2026-06-18.

Conditions:
Hereditary cancer-predisposing syndrome. Also called: Tumor predisposition; Neoplastic Syndromes, Hereditary; Hereditary Cancer Syndrome; Hereditary neoplastic syndrome. Identifiers: Orphanet 140162, MedGen C0027672, MeSH D009386, MONDO:0015356.
Lymphangiomyomatosis (LAM). Also called: Lymphangioleiomyomatosis; Lymphangioleiomyomatosis, somatic. Identifiers: Orphanet 538, MedGen C0751674, MONDO:0011705, OMIM 606690.
Isolated focal cortical dysplasia type II (FCORD2). Also called: CORTICAL DYSPLASIA OF TAYLOR; Focal cortical dysplasia type II. Identifiers: Orphanet 268994, MedGen C1846385, MONDO:0011818, OMIM 607341, HP:0032051.
Tuberous sclerosis 1 (TSC1). Identifiers: Orphanet 805, MedGen C1854465, MONDO:0008612, OMIM 191100.
Tuberous sclerosis syndrome (TSC). Also called: Tuberous Sclerosis Complex; Tuberous sclerosis. Identifiers: Orphanet 805, MedGen C0041341, MONDO:0001734.

Allele frequency attached by ClinVar (database versions not stated): gnomAD exomes 0.00001 and below 0.00001.
gnomAD v4.1: 5 of 1,614,106 alleles (0.00031%); highest among the groups gnomAD compares: Non-Finnish European, 0.00042%; no homozygotes.

Submissions (6):

Ambry Genetics
Classification: Likely benign for Hereditary cancer-predisposing syndrome. Last evaluated: 2026-06-18. Review status: criteria provided, single submitter. Criteria: Ambry Variant Classification Scheme 2023. Collection method: clinical testing. Allele origin: germline.

Labcorp Genetics (formerly Invitae), Labcorp
Classification: Benign for Tuberous sclerosis 1. Last evaluated: 2025-08-06. Review status: criteria provided, single submitter. Criteria: Invitae Variant Classification Sherloc (09022015). Collection method: clinical testing. Allele origin: germline.

Fulgent Genetics
Classification: Uncertain significance for Tuberous sclerosis 1; Lymphangiomyomatosis; Isolated focal cortical dysplasia type II. Last evaluated: 2024-05-26. Review status: criteria provided, single submitter. Criteria: ACMG Guidelines, 2015. Collection method: clinical testing. Allele origin: germline.

All of Us Research Program, National Institutes of Health
Classification: Uncertain significance for Tuberous sclerosis syndrome. Last evaluated: 2023-11-02. Review status: criteria provided, single submitter. Criteria: ACMG Guidelines, 2015. Collection method: clinical testing. Allele origin: germline. Inheritance: Autosomal dominant inheritance. Observed: 3 variant alleles, 3 heterozygotes.
Comment: This missense variant replaces valine with isoleucine at codon 352 of the TSC1 protein. Computational prediction suggests that this variant may not impact protein structure and function (internally defined REVEL score threshold <= 0.5, PMID: 27666373). To our knowledge, functional studies have not been reported for this variant. This variant has not been reported in individuals affected with TSC1-related disorders in the literature. This variant has been identified in 1/251314 chromosomes in the general population by the Genome Aggregation Database (gnomAD). The available evidence is insufficient to determine the role of this variant in disease conclusively. Therefore, this variant is classified as a Variant of Uncertain Significance.

This study involves interpretation of variants in research participants for the purpose of population health screening. Participant phenotype was not available at the time of variant classification. Additional details can be found in publication PMID: 35346344, PMCID: PMC8962531

Genome-Nilou Lab
Classification: Benign for Tuberous sclerosis 1. Last evaluated: 2021-11-07. Review status: criteria provided, single submitter. Criteria: ACMG Guidelines, 2015. Collection method: clinical testing. Allele origin: germline. Affected: no.

GeneDx
Classification: Likely benign. Last evaluated: 2013-05-16. Review status: criteria provided, single submitter. Criteria: GeneDx Variant Classification (06012015). Collection method: clinical testing. Allele origin: germline. Affected: yes.
Comment: This variant is considered likely benign or benign based on one or more of the following criteria: it is a conservative change, it occurs at a poorly conserved position in the protein, it is predicted to be benign by multiple in silico algorithms, and/or has population frequency not consistent with disease.

NM_000368.5(TSC1):c.1054G>A (p.Val352Ile)

Gene: TSC1 (TSC complex subunit 1; minus strand). Cytogenetic location: 9q34.13.
Variant type: single nucleotide variant.
Coding change: c.1054G>A on transcript NM_000368.5 (MANE Select); coding-DNA position 1054, G replaced by A.
Protein change: p.Val352Ile; replaces valine 352 with isoleucine.
Molecular consequence: missense variant.
Genome position (GRCh38, 1-based): chr9:132,911,089, C>T on the plus strand (G>A on the coding strand, the complement: TSC1 is on the minus strand). VCF-style: chr9-132911089-C-T. GRCh37 (hg19) VCF-style: chr9-135786476-C-T.
Other names: p.V352I:GTT>ATT; c.1054G>A, p.Val352Ile (NM_001162426.2); c.901G>A, p.Val301Ile (NM_001162427.2); c.691G>A, p.Val231Ile (NM_001362177.2); short protein forms V352I, V231I, V301I.
Identifiers: ClinVar variation 207607 (VCV000207607.20), dbSNP rs796053447, ClinGen allele CA319235.